The following is an entry in ClinVar:

ClinVar aggregate classification (germline): Likely benign. Review status: criteria provided, multiple submitters, no conflicts (2 of 4 stars). 3 submissions from 3 submitters: Likely benign (3). Last evaluated 2026-08-19.

Conditions:
CDHR1-related disorder. Also called: CDHR1-related condition.

Allele frequency attached by ClinVar (database versions not stated): ExAC 0.00001; gnomAD 0.00001; gnomAD exomes 0.00001 and 0.00003.
gnomAD v4.1: 17 of 1,614,024 alleles (0.0011%); highest among the groups gnomAD compares: Admixed American, 0.01%; no homozygotes.

Submissions (3):

PreventionGenetics, part of Exact Sciences
Classification: Likely benign for CDHR1-related condition. Last evaluated: 2026-08-19. Review status: criteria provided, single submitter. Criteria: ACMG Guidelines, 2015. Collection method: clinical testing. Allele origin: germline.
Comment: This variant is classified as likely benign based on ACMG/AMP sequence variant interpretation guidelines (Richards et al. 2015 PMID: 25741868, with internal and published modifications).

Labcorp Genetics (formerly Invitae), Labcorp
Classification: Likely benign. Last evaluated: 2022-03-20. Review status: criteria provided, single submitter. Criteria: Invitae Variant Classification Sherloc (09022015). Collection method: clinical testing. Allele origin: germline.

Blueprint Genetics
Classification: Likely benign. Last evaluated: 2020-08-26. Review status: criteria provided, single submitter. Criteria: ACMG Guidelines, 2015. Collection method: clinical testing. Allele origin: germline.

NM_033100.4(CDHR1):c.1149C>T (p.Thr383=)

Gene: CDHR1 (cadherin related family member 1; plus strand). Cytogenetic location: 10q23.1.
Variant type: single nucleotide variant.
Coding change: c.1149C>T on transcript NM_033100.4 (MANE Select); coding-DNA position 1149, C replaced by T.
Protein change: p.Thr383=; no amino-acid change (threonine 383 retained).
Molecular consequence: synonymous variant.
Genome position (GRCh38, 1-based): chr10:84,208,359, C>T. VCF-style: chr10-84208359-C-T. GRCh37 (hg19) VCF-style: chr10-85968115-C-T.
Other names: c.1149C>T, p.Thr383= (NM_001171971.3); c.1149C>T (NM_033100.3).
Identifiers: ClinVar variation 1531417 (VCV001531417.10), dbSNP rs773136967, ClinGen allele CA5579851.